The following is an entry in ClinVar:

NM_007347.5(AP4E1):c.2371C>T (p.His791Tyr)

Gene: AP4E1 (adaptor related protein complex 4 subunit epsilon 1; plus strand). Cytogenetic location: 15q21.2.
Variant type: single nucleotide variant.
Coding change: c.2371C>T on transcript NM_007347.5 (MANE Select); coding-DNA position 2371, C replaced by T.
Protein change: p.His791Tyr; replaces histidine 791 with tyrosine.
Molecular consequence: missense variant.
Genome position (GRCh38, 1-based): chr15:50,997,350, C>T. VCF-style: chr15-50997350-C-T. GRCh37 (hg19) VCF-style: chr15-51289547-C-T.
Other names: c.2146C>T, p.His716Tyr (NM_001252127.2); short protein forms H791Y, H716Y.
Identifiers: ClinVar variation 1463287 (VCV001463287.6), dbSNP rs1006880090, ClinGen allele CA270525689.

ClinVar aggregate classification (germline): Uncertain significance (1 of 4 stars; one submission).

Conditions:
Spastic paraplegia. Identifiers: MedGen C0037772, HP:0001258.

Allele frequency attached by ClinVar (database versions not stated): gnomAD exomes below 0.00001; TOPMed below 0.00001; gnomAD 0.00001.
gnomAD v4.1: 3 of 1,601,348 alleles (0.00019%); highest among the groups gnomAD compares: Non-Finnish European, 0.00017%; no homozygotes.

Submission:

Labcorp Genetics (formerly Invitae), Labcorp
Classification: Uncertain significance for Spastic paraplegia. Last evaluated: 2021-12-02. Review status: criteria provided, single submitter. Criteria: Invitae Variant Classification Sherloc (09022015). Collection method: clinical testing. Allele origin: germline.
Comment: In summary, the available evidence is currently insufficient to determine the role of this variant in disease. Therefore, it has been classified as a Variant of Uncertain Significance. This sequence change replaces histidine, which is basic and polar, with tyrosine, which is neutral and polar, at codon 791 of the AP4E1 protein (p.His791Tyr). This variant is not present in population databases (gnomAD no frequency). This variant has not been reported in the literature in individuals affected with AP4E1-related conditions. Algorithms developed to predict the effect of missense changes on protein structure and function (SIFT, PolyPhen-2, Align-GVGD) all suggest that this variant is likely to be tolerated.